The following is an entry in ClinVar:

NM_198994.3(TGM6):c.673-1G>A

Gene: TGM6 (transglutaminase 6; plus strand). Cytogenetic location: 20p13.
Variant type: single nucleotide variant.
Coding change: c.673-1G>A on transcript NM_198994.3 (MANE Select); the canonical splice acceptor site of the intron before coding-DNA position 673, G replaced by A.
Molecular consequence: splice acceptor variant.
Genome position (GRCh38, 1-based): chr20:2,399,560, G>A. VCF-style: chr20-2399560-G-A. GRCh37 (hg19) VCF-style: chr20-2380206-G-A.
Other names: c.673-1G>A (NM_001254734.2).
Identifiers: ClinVar variation 2636053 (VCV002636053.2), dbSNP rs1026525677, ClinGen allele CA310838448.
Genomic context (GRCh38, chr20:2,399,560, plus strand): 5'-GATGCGGTTCTTGAGGTAGGAAGCCCTGCCTGGTTGTGGACCCGTGCCCTCCTCTGCCCA[G>A]GTGAACAGCAACAACGACCGAGGTGTGGTGCAAGGACAGTGGCAGGGCAAGTACGGCGGC-3'

ClinVar aggregate classification (germline): Uncertain significance (1 of 4 stars; one submission).

Conditions:
TGM6-related disorder. Also called: TGM6-related condition.

gnomAD v4.1: 1 of 1,612,596 alleles (0.000062%); no homozygotes.

Submission:

PreventionGenetics, part of Exact Sciences
Classification: Uncertain significance for TGM6-related condition. Last evaluated: 2025-12-08. Review status: criteria provided, single submitter. Criteria: ACMG Guidelines, 2015. Collection method: clinical testing. Allele origin: germline.
Comment: The TGM6 c.673-1G>A variant is predicted to disrupt the AG splice acceptor site and interfere with normal splicing. This variant has not been reported in the literature or in a large population database (gnomAD), indicating this variant is rare. Loss of function and splicing variants in TGM6 have not been conclusively associated with disease. At this time, the clinical significance of this variant is uncertain due to the absence of conclusive functional and genetic evidence.